The following is an entry in ClinVar:

ClinVar aggregate classification (germline): Uncertain significance (1 of 4 stars; one submission).

Conditions:
Cardiovascular phenotype. Identifiers: MedGen CN230736.

gnomAD v4.1: 2 of 1,613,986 alleles (0.00012%); highest among the groups gnomAD compares: South Asian, 0.0022%; no homozygotes.

Submission:

Ambry Genetics
Classification: Uncertain significance for Cardiovascular phenotype. Last evaluated: 2026-01-11. Review status: criteria provided, single submitter. Criteria: Ambry Variant Classification Scheme 2023. Collection method: clinical testing. Allele origin: germline.
Comment: The p.G440D variant (also known as c.1319G>A), located in coding exon 9 of the CBL gene, results from a G to A substitution at nucleotide position 1319. The glycine at codon 440 is replaced by aspartic acid, an amino acid with similar properties. This amino acid position is conserved. In addition, the in silico prediction for this alteration is inconclusive. Based on the available evidence, the clinical significance of this variant remains unclear.

NM_005188.4(CBL):c.1319G>A (p.Gly440Asp)

Gene: CBL (Cbl proto-oncogene; plus strand). Cytogenetic location: 11q23.3.
Variant type: single nucleotide variant.
Coding change: c.1319G>A on transcript NM_005188.4 (MANE Select); coding-DNA position 1319, G replaced by A.
Protein change: p.Gly440Asp; replaces glycine 440 with aspartic acid.
Molecular consequence: missense variant.
Genome position (GRCh38, 1-based): chr11:119,278,601, G>A. VCF-style: chr11-119278601-G-A. GRCh37 (hg19) VCF-style: chr11-119149311-G-A.
Other names: short protein forms G440D.
Identifiers: ClinVar variation 4843626 (VCV004843626.1).